The following is an entry in ClinVar:

ClinVar aggregate classification (germline): Uncertain significance. Review status: criteria provided, multiple submitters, no conflicts (2 of 4 stars). 3 submissions from 3 submitters: Uncertain significance (2). 1 of the submissions does not count toward it. Last evaluated 2025-08-06.

Conditions:
Inborn genetic diseases. Identifiers: MedGen C0950123, MeSH D030342.
ALG6-congenital disorder of glycosylation 1C (CDG1C). Also called: CDG Ic; CARBOHYDRATE-DEFICIENT GLYCOPROTEIN SYNDROME, TYPE I, WITH DEFICIENT GLYCOSYLATION OF DOLICHOL-LINKED OLIGOSACCHARIDE; CARBOHYDRATE-DEFICIENT GLYCOPROTEIN SYNDROME, TYPE V; Congenital disorder of glycosylation type 1C; Congenital disorder of glycosylation, type Ic. Identifiers: Orphanet 79320, MedGen C2930997, MONDO:0011291, OMIM 603147.

Allele frequency attached by ClinVar (database versions not stated): gnomAD exomes below 0.00001.
gnomAD v4.1: 1 of 1,609,536 alleles (0.000062%); highest among the groups gnomAD compares: Non-Finnish European, 0.000085%; no homozygotes.

Submissions (3):

Ambry Genetics
Classification: Uncertain significance for Inborn genetic diseases. Last evaluated: 2025-08-06. Review status: criteria provided, single submitter. Criteria: Ambry Variant Classification Scheme 2023. Collection method: clinical testing. Allele origin: germline.

Labcorp Genetics (formerly Invitae), Labcorp
Classification: Uncertain significance for ALG6-congenital disorder of glycosylation 1C. Last evaluated: 2022-05-25. Review status: criteria provided, single submitter. Criteria: Invitae Variant Classification Sherloc (09022015). Collection method: clinical testing. Allele origin: germline.
Comment: Algorithms developed to predict the effect of missense changes on protein structure and function (SIFT, PolyPhen-2, Align-GVGD) all suggest that this variant is likely to be tolerated. In summary, the available evidence is currently insufficient to determine the role of this variant in disease. Therefore, it has been classified as a Variant of Uncertain Significance. This variant has not been reported in the literature in individuals affected with ALG6-related conditions. This sequence change replaces methionine, which is neutral and non-polar, with threonine, which is neutral and polar, at codon 7 of the ALG6 protein (p.Met7Thr). This variant is not present in population databases (gnomAD no frequency).

Natera, Inc.
Classification: Uncertain significance for Congenital disorder of glycosylation type 1c. Last evaluated: 2025-01-21. Review status: no assertion criteria provided. Collection method: clinical testing. Allele origin: germline. Not counted in ClinVar's aggregate classification.

NM_013339.4(ALG6):c.20T>C (p.Met7Thr)

Gene: ALG6 (ALG6 alpha-1,3-glucosyltransferase; plus strand). Cytogenetic location: 1p31.3.
Variant type: single nucleotide variant.
Coding change: c.20T>C on transcript NM_013339.4 (MANE Select); coding-DNA position 20, T replaced by C.
Protein change: p.Met7Thr; replaces methionine 7 with threonine.
Molecular consequence: missense variant.
Genome position (GRCh38, 1-based): chr1:63,370,997, T>C. VCF-style: chr1-63370997-T-C. GRCh37 (hg19) VCF-style: chr1-63836668-T-C.
Other names: c.20T>C (NM_013339.3); short protein forms M7T.
Identifiers: ClinVar variation 1915590 (VCV001915590.7), dbSNP rs2523646252, ClinGen allele CA340636788.
Genomic context (GRCh38, chr1:63,370,997, plus strand): 5'-CTGGTGCTGTGTTTTCTTCCCCTCCCTAAATTTGAAGAACTATGGAGAAATGGTACTTGA[T>C]GACAGTAGTGGTTTTAATAGGACTAACAGTACGATGGACAGTGTCTCTTAATTCTTATTC-3'
Protein context (NP_037471.2, residues 1-17): MEKWYL[Met7Thr]TVVVLIGLTV